The following is an entry in ClinVar:

ClinVar aggregate classification (germline): Likely benign. Review status: reviewed by expert panel (3 of 4 stars). 6 submissions from 6 submitters: Likely benign (1). 5 of the submissions do not count toward it. Last evaluated 2023-08-17.

Conditions:
CDH1-related diffuse gastric and lobular breast cancer syndrome. Also called: CDH1-related diffuse gastric and lobular breast cancer. Identifiers: MedGen CN311521, MONDO:0100488.
Hereditary cancer-predisposing syndrome. Also called: Tumor predisposition; Hereditary neoplastic syndrome; Neoplastic Syndromes, Hereditary; Hereditary Cancer Syndrome. Identifiers: Orphanet 140162, MedGen C0027672, MeSH D009386, MONDO:0015356.
Hereditary diffuse gastric adenocarcinoma (HDGC). Also called: DIFFUSE GASTRIC AND LOBULAR BREAST CANCER SYNDROME. Identifiers: Orphanet 26106, MedGen C1708349, MONDO:0007648, OMIM 137215.

Submissions (6):

Clingen Gastric Cancer Variant Curation Expert Panel
Classification: Likely benign for CDH1-related diffuse gastric and lobular breast cancer syndrome. Last evaluated: 2023-08-17. Review status: reviewed by expert panel. Criteria: ClinGen CDH1 ACMG Specifications V3.1. Collection method: curation. Allele origin: germline. Inheritance: Autosomal dominant inheritance.
Comment: The c.2076_2077inv (p.Gly693Ser) variant has been observed in >10 (41) individuals without a diagnosis of diffuse gastric cancer, signet ring tumor or lobular breast cancer and whose family histories do not suggest HDGC (BS2; SCV000260738.9). In summary, the clinical significance of this variant is classified as likely benign based on BS2 alone. ACMG/AMP criteria applied, as specified by the CDH1 Variant Curation Expert Panel (Variant Interpretation Guidelines Version 3.1): BS2

Labcorp Genetics (formerly Invitae), Labcorp
Classification: Likely benign for Hereditary diffuse gastric adenocarcinoma. Last evaluated: 2026-01-04. Review status: criteria provided, single submitter. Criteria: Invitae Variant Classification Sherloc (09022015). Collection method: clinical testing. Allele origin: germline. Not counted in ClinVar's aggregate classification.

Color Diagnostics, LLC DBA Color Health
Classification: Likely benign for Hereditary cancer-predisposing syndrome. Last evaluated: 2025-08-11. Review status: criteria provided, single submitter. Criteria: ACMG Guidelines, 2015. Collection method: clinical testing. Allele origin: germline. Not counted in ClinVar's aggregate classification.

Ambry Genetics
Classification: Likely benign for Hereditary cancer-predisposing syndrome. Last evaluated: 2022-05-27. Review status: criteria provided, single submitter. Criteria: Ambry Variant Classification Scheme 2023. Collection method: clinical testing. Allele origin: germline. Not counted in ClinVar's aggregate classification.

GeneDx
Classification: Uncertain significance. Last evaluated: 2020-08-18. Review status: criteria provided, single submitter. Criteria: GeneDx Variant Classification (06012015). Collection method: clinical testing. Allele origin: germline. Affected: yes. Not counted in ClinVar's aggregate classification.
Comment: Located in the critical cadherin 5 extracellular domain (Brooks-Wilson 2004, Figueiredo 2013) In silico analysis supports that this variant does not alter protein structure/function Has not been previously published as pathogenic or benign to our knowledge Observed in 0.0042% (12/282770 alleles) in large population cohorts (Lek 2016)

Genetic Services Laboratory, University of Chicago
Classification: Uncertain significance. Last evaluated: 2019-04-26. Review status: criteria provided, single submitter. Criteria: ACMG Guidelines, 2015. Collection method: clinical testing. Allele origin: germline. Affected: no. Not counted in ClinVar's aggregate classification.

NM_004360.5(CDH1):c.2076_2077inv (p.Gly693Ser)

Gene: CDH1 (cadherin 1; plus strand). Cytogenetic location: 16q22.1.
Variant type: Inversion.
Coding change: c.2076_2077inv on transcript NM_004360.5 (MANE Select).
Protein change: p.Gly693Ser; replaces glycine 693 with serine.
Molecular consequence: missense variant.
Genome position: GRCh38 VCF-style: chr16-68823538-TG-CA. GRCh37 (hg19) VCF-style: chr16-68857441-TG-CA.
Other names: NM_004360.5(CDH1):c.2076_2077inv; p.Gly693Ser; c.2076_2077inv (LRG_301t1); c.1893_1894inv, p.Gly632Ser (NM_001317184.2); c.528_529inv, p.Gly177Ser (NM_001317185.2); c.111_112inv, p.Gly38Ser (NM_001317186.2); c.2076_2077delinsCA (NM_004360.3, NM_004360.5); short protein forms G632S, G177S, G693S, G38S.
Identifiers: ClinVar variation 220300 (VCV000220300.26), ClinGen allele CA349680.